The following is an entry in ClinVar:

ClinVar aggregate classification (germline): Uncertain significance (1 of 4 stars; one submission).

Allele frequency attached by ClinVar (database versions not stated): gnomAD exomes below 0.00001; ExAC 0.00002.
gnomAD v4.1: 2 of 1,599,912 alleles (0.00013%); no homozygotes.

Submission:

GeneDx
Classification: Uncertain significance. Last evaluated: 2026-08-06. Review status: criteria provided, single submitter. Criteria: GeneDx Variant Classification Process June 2021. Collection method: clinical testing. Allele origin: germline.
Comment: In silico analysis supports that this missense variant has a deleterious effect on protein structure/function; Has not been previously published as pathogenic or benign to our knowledge

NM_078480.3(PUF60):c.371C>T (p.Ala124Val)

Gene: PUF60 (poly(U) binding splicing factor 60; minus strand). Cytogenetic location: 8q24.3.
Variant type: single nucleotide variant.
Coding change: c.371C>T on transcript NM_078480.3 (MANE Select); coding-DNA position 371, C replaced by T.
Protein change: p.Ala124Val; replaces alanine 124 with valine.
Molecular consequence: missense variant.
Genome position (GRCh38, 1-based): chr8:143,818,512, G>A on the plus strand (C>T on the coding strand, the complement: PUF60 is on the minus strand). VCF-style: chr8-143818512-G-A. GRCh37 (hg19) VCF-style: chr8-144900682-G-A.
Other names: c.242C>T, p.Ala81Val (NM_001136033.3); c.317C>T, p.Ala106Val (NM_001271096.2); c.233C>T, p.Ala78Val (NM_001271097.2); c.368C>T, p.Ala123Val (NM_001271098.2); c.284C>T, p.Ala95Val (NM_001271099.2); c.191C>T, p.Ala64Val (NM_001271100.2); c.482C>T, p.Ala161Val (NM_001362895.2, NM_001362896.2); c.431C>T, p.Ala144Val (NM_001362897.2); and 1 more; short protein forms A106V, A107V, A123V, A124V, A144V, A161V, A64V, A78V.
Identifiers: ClinVar variation 1700748 (VCV001700748.4), dbSNP rs749670489, ClinGen allele CA187616659.